The following is an entry in ClinVar:

ClinVar aggregate classification (germline): Likely benign (0 of 4 stars; one submission).

Conditions:
ZNF462-related disorder. Also called: ZNF462 related disease; ZNF462-related condition.

Allele frequency attached by ClinVar (database versions not stated): gnomAD exomes 0.00007; ExAC 0.00022; gnomAD 0.00042; TOPMed 0.00043; ESP Exome Variant Server 0.00046; 1000 Genomes Project 30x 0.00062; 1000 Genomes Project 0.00080.
gnomAD v4.1: 154 of 1,354,836 alleles (0.011%); highest among the groups gnomAD compares: African/African-American, 0.15%; no homozygotes.

Submission:

PreventionGenetics, part of Exact Sciences
Classification: Likely benign for ZNF462-related condition. Last evaluated: 2023-04-08. Review status: no assertion criteria provided. Collection method: clinical testing. Allele origin: germline.
Comment: This variant is classified as likely benign based on ACMG/AMP sequence variant interpretation guidelines (Richards et al. 2015 PMID: 25741868, with internal and published modifications).

NM_021224.6(ZNF462):c.3503G>A (p.Arg1168Gln)

Gene: ZNF462 (zinc finger protein 462; plus strand). Cytogenetic location: 9q31.2.
Variant type: single nucleotide variant.
Coding change: c.3503G>A on transcript NM_021224.6 (MANE Select); coding-DNA position 3503, G replaced by A.
Protein change: p.Arg1168Gln; replaces arginine 1168 with glutamine.
Molecular consequence: missense variant. On other transcripts: intron variant (1).
Genome position (GRCh38, 1-based): chr9:106,927,415, G>A. VCF-style: chr9-106927415-G-A. GRCh37 (hg19) VCF-style: chr9-109689696-G-A.
Other names: c.3252+251G>A (NM_001347997.2); short protein forms R1168Q.
Identifiers: ClinVar variation 3045318 (VCV003045318.2), dbSNP rs148363677, ClinGen allele CA5171676.